The following is an entry in ClinVar:

NM_006949.4(STXBP2):c.1274T>C (p.Leu425Pro)

Gene: STXBP2 (syntaxin binding protein 2; plus strand). Cytogenetic location: 19p13.2.
Variant type: single nucleotide variant.
Coding change: c.1274T>C on transcript NM_006949.4 (MANE Select); coding-DNA position 1274, T replaced by C.
Protein change: p.Leu425Pro; replaces leucine 425 with proline.
Molecular consequence: missense variant. On other transcripts: non-coding transcript variant (1).
Genome position (GRCh38, 1-based): chr19:7,645,224, T>C. VCF-style: chr19-7645224-T-C. GRCh37 (hg19) VCF-style: chr19-7710110-T-C.
Other names: c.1265T>C, p.Leu422Pro (NM_001127396.3); c.1307T>C, p.Leu436Pro (NM_001272034.2); c.1178T>C, p.Leu393Pro (NM_001414484.1); short protein forms L425P, L436P, L393P, L422P.
Identifiers: ClinVar variation 2193624 (VCV002193624.4), dbSNP rs1217613253, ClinGen allele CA403161337.

ClinVar aggregate classification (germline): Uncertain significance (1 of 4 stars; one submission).

Conditions:
Familial hemophagocytic lymphohistiocytosis 5. Also called: STXBP2-Related Familial Hemophagocytic Lymphohistiocytosis (STXBP2-fHLH). Identifiers: Orphanet 540, MedGen C2751293, MONDO:0013135, OMIM 613101.

Submission:

Labcorp Genetics (formerly Invitae), Labcorp
Classification: Uncertain significance for Familial hemophagocytic lymphohistiocytosis 5. Last evaluated: 2022-06-28. Review status: criteria provided, single submitter. Criteria: Invitae Variant Classification Sherloc (09022015). Collection method: clinical testing. Allele origin: germline.
Comment: Algorithms developed to predict the effect of missense changes on protein structure and function (SIFT, PolyPhen-2, Align-GVGD) all suggest that this variant is likely to be disruptive. This variant has not been reported in the literature in individuals affected with STXBP2-related conditions. This variant is not present in population databases (gnomAD no frequency). This sequence change replaces leucine, which is neutral and non-polar, with proline, which is neutral and non-polar, at codon 425 of the STXBP2 protein (p.Leu425Pro). In summary, the available evidence is currently insufficient to determine the role of this variant in disease. Therefore, it has been classified as a Variant of Uncertain Significance.